The following is an entry in ClinVar:

NM_014946.4(SPAST):c.1328T>G (p.Val443Gly)

Gene: SPAST (spastin; plus strand). Cytogenetic location: 2p22.3.
Variant type: single nucleotide variant.
Coding change: c.1328T>G on transcript NM_014946.4 (MANE Select); coding-DNA position 1328, T replaced by G.
Protein change: p.Val443Gly; replaces valine 443 with glycine.
Molecular consequence: missense variant.
Genome position (GRCh38, 1-based): chr2:32,136,883, T>G. VCF-style: chr2-32136883-T-G. GRCh37 (hg19) VCF-style: chr2-32361952-T-G.
Other names: c.1325T>G, p.Val442Gly (NM_001363823.2); c.1229T>G, p.Val410Gly (NM_001363875.2); c.1232T>G, p.Val411Gly (NM_001377959.1, NM_199436.2); short protein forms V410G, V411G, V442G, V443G.
Identifiers: ClinVar variation 1344047 (VCV001344047.3), dbSNP rs2148753923, ClinGen allele CA346502173.

ClinVar aggregate classification (germline): Uncertain significance. Review status: criteria provided, multiple submitters, no conflicts (2 of 4 stars). 2 submissions from 2 submitters: Uncertain significance (2). Last evaluated 2022-09-30.

Conditions:
Hereditary spastic paraplegia. Also called: Familial spastic paraparesis. Identifiers: Orphanet 685, MedGen C0037773, MONDO:0019064. Disease mechanism: loss of function.

Submissions (2):

Women's Health and Genetics/Laboratory Corporation of America, LabCorp
Classification: Uncertain significance. Last evaluated: 2022-09-30. Review status: criteria provided, single submitter. Criteria: LabCorp Variant Classification Summary - May 2015. Collection method: clinical testing. Allele origin: germline.
Comment: Variant summary: SPAST c.1328T>G (p.Val443Gly) results in a non-conservative amino acid change located in the AAA+ ATPase domain (IPR003593) of the encoded protein sequence. Five of five in-silico tools predict a damaging effect of the variant on protein function. The variant was absent in 251034 control chromosomes (gnomAD). The available data on variant occurrences in the general population are insufficient to allow any conclusion about variant significance. To our knowledge, no occurrence of c.1328T>G in individuals affected with Spastic Paraplegia and no experimental evidence demonstrating its impact on protein function have been reported in the literature. One clinical diagnostic laboratory has submitted a clinical-significance assessment for this variant to ClinVar after 2014 without evidence for independent evaluation and classified the variant as uncertain significance. Based on the evidence outlined above, the variant was classified as uncertain significance.

Genome Diagnostics Laboratory, The Hospital for Sick Children
Classification: Uncertain significance for Hereditary spastic paraplegia. Last evaluated: 2020-10-26. Review status: criteria provided, single submitter. Criteria: ACMG Guidelines, 2015. Collection method: clinical testing. Allele origin: germline. Affected: yes.